The following is an entry in ClinVar:

ClinVar aggregate classification (germline): Uncertain significance (1 of 4 stars; one submission).

Submission:

Labcorp Genetics (formerly Invitae), Labcorp
Classification: Uncertain significance. Last evaluated: 2023-02-14. Review status: criteria provided, single submitter. Criteria: Invitae Variant Classification Sherloc (09022015). Collection method: clinical testing. Allele origin: germline.
Comment: This sequence change replaces serine, which is neutral and polar, with asparagine, which is neutral and polar, at codon 167 of the FUK protein (p.Ser167Asn). This variant is not present in population databases (gnomAD no frequency). This variant has not been reported in the literature in individuals affected with FUK-related conditions. Algorithms developed to predict the effect of missense changes on protein structure and function output the following: SIFT: "Tolerated"; PolyPhen-2: "Benign"; Align-GVGD: "Class C0". The asparagine amino acid residue is found in multiple mammalian species, which suggests that this missense change does not adversely affect protein function. In summary, the available evidence is currently insufficient to determine the role of this variant in disease. Therefore, it has been classified as a Variant of Uncertain Significance.

NM_145059.3(FCSK):c.500G>A (p.Ser167Asn)

Gene: FCSK (fucose kinase; plus strand). Cytogenetic location: 16q22.1.
Variant type: single nucleotide variant.
Coding change: c.500G>A on transcript NM_145059.3 (MANE Select); coding-DNA position 500, G replaced by A.
Protein change: p.Ser167Asn; replaces serine 167 with asparagine.
Molecular consequence: missense variant.
Genome position (GRCh38, 1-based): chr16:70,467,389, G>A. VCF-style: chr16-70467389-G-A. GRCh37 (hg19) VCF-style: chr16-70501292-G-A.
Other names: short protein forms S167N.
Identifiers: ClinVar variation 2973620 (VCV002973620.3), dbSNP rs2507421940, ClinGen allele CA396562957.